The following is an entry in ClinVar:

ClinVar aggregate classification (germline): Pathogenic/Likely pathogenic. Review status: criteria provided, multiple submitters, no conflicts (2 of 4 stars). 3 submissions from 3 submitters: Pathogenic (1); Likely pathogenic (1). 1 of the submissions does not count toward it. Last evaluated 2025-08-04.

Conditions:
Deficiency of alpha-mannosidase (MANSA). Also called: LYSOSOMAL ALPHA-D-MANNOSIDASE DEFICIENCY; Alpha-Mannosidosis; Mannosidosis, alpha-, types I and II. Identifiers: Orphanet 61, MedGen C0024748, MONDO:0009561, OMIM 248500.

Allele frequency attached by ClinVar (database versions not stated): gnomAD exomes below 0.00001.
gnomAD v4.1: 1 of 1,614,022 alleles (0.000062%); highest among the groups gnomAD compares: Non-Finnish European, 0.000085%; no homozygotes.

Submissions (3):

Labcorp Genetics (formerly Invitae), Labcorp
Classification: Pathogenic for Deficiency of alpha-mannosidase. Last evaluated: 2025-08-04. Review status: criteria provided, single submitter. Criteria: Invitae Variant Classification Sherloc (09022015). Collection method: clinical testing. Allele origin: germline.
Comment: This sequence change creates a premature translational stop signal (p.Gln639*) in the MAN2B1 gene. It is expected to result in an absent or disrupted protein product. Loss-of-function variants in MAN2B1 are known to be pathogenic (PMID: 9915946, 22161967). This variant is not present in population databases (gnomAD no frequency). This premature translational stop signal has been observed in individual(s) with alpha-mannosidosis (PMID: 9758606). ClinVar contains an entry for this variant (Variation ID: 1686). For these reasons, this variant has been classified as Pathogenic.

Genome-Nilou Lab
Classification: Likely pathogenic for Deficiency of alpha-mannosidase. Last evaluated: 2021-09-05. Review status: criteria provided, single submitter. Criteria: ACMG Guidelines, 2015. Collection method: clinical testing. Allele origin: germline. Affected: no.

OMIM
Classification: Pathogenic for ALPHA-MANNOSIDOSIS. Last evaluated: 1998-10-01. Review status: no assertion criteria provided. Collection method: literature only. Allele origin: germline. Not counted in ClinVar's aggregate classification.

Literature cited by the submitters: PubMed 9915946 (cited by Labcorp Genetics (formerly Invitae), Labcorp); PubMed 22161967 (cited by Labcorp Genetics (formerly Invitae), Labcorp); PubMed 9758606 (cited by Labcorp Genetics (formerly Invitae), Labcorp and OMIM); PubMed 4358183 (cited by OMIM).

NM_000528.4(MAN2B1):c.1915C>T (p.Gln639Ter)

Gene: MAN2B1 (mannosidase alpha class 2B member 1; minus strand). Cytogenetic location: 19p13.13.
Variant type: single nucleotide variant.
Coding change: c.1915C>T on transcript NM_000528.4 (MANE Select); coding-DNA position 1915, C replaced by T.
Protein change: p.Gln639Ter; replaces glutamine 639 with a stop codon.
Molecular consequence: nonsense.
Genome position (GRCh38, 1-based): chr19:12,652,376, G>A on the plus strand (C>T on the coding strand, the complement: MAN2B1 is on the minus strand). VCF-style: chr19-12652376-G-A. GRCh37 (hg19) VCF-style: chr19-12763190-G-A.
Other names: c.1912C>T, p.Gln638Ter (NM_001173498.2); short protein forms Q639*, Q638*.
Identifiers: ClinVar variation 1686 (VCV000001686.4), dbSNP rs121434332, ClinGen allele CA251913.